The following is an entry in ClinVar:

ClinVar aggregate classification (germline): Uncertain significance (1 of 4 stars; one submission).

Conditions:
Hereditary cancer-predisposing syndrome. Also called: Neoplastic Syndromes, Hereditary; Tumor predisposition; Hereditary Cancer Syndrome; Hereditary neoplastic syndrome. Identifiers: Orphanet 140162, MedGen C0027672, MeSH D009386, MONDO:0015356.

Submission:

Ambry Genetics
Classification: Uncertain significance for Hereditary cancer-predisposing syndrome. Last evaluated: 2026-02-24. Review status: criteria provided, single submitter. Criteria: Ambry Variant Classification Scheme 2023. Collection method: clinical testing. Allele origin: germline.
Comment: The p.L118V variant (also known as c.352T>G), located in coding exon 4 of the FANCC gene, results from a T to G substitution at nucleotide position 352. The leucine at codon 118 is replaced by valine, an amino acid with highly similar properties. This amino acid position is conserved. In addition, this alteration is predicted to be tolerated by in silico analysis. Based on the available evidence, the clinical significance of this variant remains unclear.

NM_000136.3(FANCC):c.352T>G (p.Leu118Val)

Gene: FANCC (FA complementation group C; minus strand). Cytogenetic location: 9q22.32.
Variant type: single nucleotide variant.
Coding change: c.352T>G on transcript NM_000136.3 (MANE Select); coding-DNA position 352, T replaced by G.
Protein change: p.Leu118Val; replaces leucine 118 with valine.
Molecular consequence: missense variant.
Genome position (GRCh38, 1-based): chr9:95,172,141, A>C on the plus strand (T>G on the coding strand, the complement: FANCC is on the minus strand). VCF-style: chr9-95172141-A-C. GRCh37 (hg19) VCF-style: chr9-97934423-A-C.
Other names: c.352T>G, p.Leu118Val (NM_001243743.2, NM_001243744.2); short protein forms L118V.
Identifiers: ClinVar variation 4826733 (VCV004826733.1).